The following is an entry in ClinVar:

NM_000512.5:c.(898+1_899-1)_(1002+1_1003-1)del

Gene: GALNS (galactosamine (N-acetyl)-6-sulfatase; minus strand).
Variant type: Deletion.
Other names: c.(898+1_899-1)_(1002+1_1003-1)del (NM_000512.5).
Identifiers: ClinVar variation 1048480 (VCV001048480.3).

ClinVar aggregate classification (germline): Pathogenic (1 of 4 stars; one submission).

Conditions:
Mucopolysaccharidosis, MPS-IV-A (MPS4A). Also called: Mucopolysaccharidosis type IV A; Mucopolysaccharidosis Type IVA; Morquio syndrome A, mild; MORQUIO SYNDROME A; MPS IVA; mucopolysaccharidosis type 4A. Identifiers: Orphanet 309297, Orphanet 582, MedGen C0086651, MONDO:0009659, OMIM 253000.

Submission:

Laboratory of Diagnosis and Therapy of Lysosomal Disorders, University of Padova
Classification: Pathogenic for Mucopolysaccharidosis, MPS-IV-A. Last evaluated: 2021-02-01. Review status: criteria provided, single submitter. Criteria: ACMG Guidelines, 2015. Collection method: research. Allele origin: germline. Affected: yes.
Comment: Single exon deletion (PVS1_very strong); in vivo functional studies supportive of a damaging effect on the gene product (low to null enzymatic activity in homozygotes; PS3_supporting); located in a mutational hot spot and/or critical and well-established functional domain (e.g., active site of an enzyme) without benign variation (PM1_moderate); absent from gnomAD v2.1.1 (PM2_moderate)

Literature cited by the submitters: PubMed 34387910.